The following is an entry in ClinVar:

NM_206933.4(USH2A):c.12581G>A (p.Cys4194Tyr)

Gene: USH2A (usherin; minus strand). Cytogenetic location: 1q41.
Variant type: single nucleotide variant.
Coding change: c.12581G>A on transcript NM_206933.4 (MANE Select); coding-DNA position 12581, G replaced by A.
Protein change: p.Cys4194Tyr; replaces cysteine 4194 with tyrosine.
Molecular consequence: missense variant.
Genome position (GRCh38, 1-based): chr1:215,675,330, C>T on the plus strand (G>A on the coding strand, the complement: USH2A is on the minus strand). VCF-style: chr1-215675330-C-T. GRCh37 (hg19) VCF-style: chr1-215848672-C-T.
Other names: short protein forms C4194Y.
Identifiers: ClinVar variation 867067 (VCV000867067.8), dbSNP rs955434291, ClinGen allele CA37413088.
Genomic context (GRCh38, chr1:215,675,330, plus strand): 5'-GTGAAAACAATTTTCTCGTCGGCCTGGATTGTCTGATTTCCCCAAGCTTTTCCCTCGAAG[C>T]ATCTGCGAATCACTTCATAGCGAATTATTTTTCCATTTGGGTTAACAGGCTCAGACCAGC-3'
Protein context (NP_996816.3, residues 4184-4204): KIIRYEVIRR[Cys4194Tyr]FEGKAWGNQT

ClinVar aggregate classification (germline): Uncertain significance. Review status: criteria provided, multiple submitters, no conflicts (2 of 4 stars). 5 submissions from 4 submitters: Uncertain significance (4). 1 of the submissions does not count toward it. Last evaluated 2023-11-27.

Conditions:
Retinitis pigmentosa 39 (RP39). Identifiers: Orphanet 791, MedGen C3151138, MONDO:0013436, OMIM 613809.
Usher syndrome type 2A. Also called: RETINAL DISEASE IN USHER SYNDROME TYPE IIA, MODIFIER OF; USHER SYNDROME, TYPE IIA. Identifiers: Orphanet 231178, Orphanet 886, MedGen C1848634, MONDO:0010169, OMIM 276901.

Allele frequency attached by ClinVar (database versions not stated): gnomAD exomes below 0.00001; gnomAD 0.00001; TOPMed 0.00002.
gnomAD v4.1: 4 of 1,614,026 alleles (0.00025%); highest among the groups gnomAD compares: African/African-American, 0.0027%; no homozygotes.

Submissions (5):

Blueprint Genetics
Classification: Uncertain significance. Last evaluated: 2023-11-27. Review status: criteria provided, single submitter. Criteria: ACMG Guidelines, 2015. Collection method: clinical testing. Allele origin: germline.

Genome-Nilou Lab
Classification: Uncertain significance for Retinitis pigmentosa 39. Last evaluated: 2023-11-04. Review status: criteria provided, single submitter. Criteria: ACMG Guidelines, 2015. Collection method: clinical testing. Allele origin: germline. Affected: no.

Genome-Nilou Lab
Classification: Uncertain significance for Usher syndrome type 2A. Last evaluated: 2023-11-04. Review status: criteria provided, single submitter. Criteria: ACMG Guidelines, 2015. Collection method: clinical testing. Allele origin: germline. Affected: no.

Labcorp Genetics (formerly Invitae), Labcorp
Classification: Uncertain significance. Last evaluated: 2021-09-01. Review status: criteria provided, single submitter. Criteria: Invitae Variant Classification Sherloc (09022015). Collection method: clinical testing. Allele origin: germline.
Comment: This sequence change replaces cysteine with tyrosine at codon 4194 of the USH2A protein (p.Cys4194Tyr). The cysteine residue is highly conserved and there is a large physicochemical difference between cysteine and tyrosine. This variant is not present in population databases (ExAC no frequency). This variant has not been reported in the literature in individuals affected with USH2A-related conditions. Algorithms developed to predict the effect of missense changes on protein structure and function (SIFT, PolyPhen-2, Align-GVGD) all suggest that this variant is likely to be tolerated. In summary, the available evidence is currently insufficient to determine the role of this variant in disease. Therefore, it has been classified as a Variant of Uncertain Significance.

Natera, Inc.
Classification: Uncertain significance for Usher syndrome type 2A. Last evaluated: 2021-06-09. Review status: no assertion criteria provided. Collection method: clinical testing. Allele origin: germline. Not counted in ClinVar's aggregate classification.